The following is an entry in ClinVar:

NM_000260.4(MYO7A):c.1652T>C (p.Ile551Thr)

Gene: MYO7A (myosin VIIA; plus strand). Cytogenetic location: 11q13.5.
Variant type: single nucleotide variant.
Coding change: c.1652T>C on transcript NM_000260.4 (MANE Select); coding-DNA position 1652, T replaced by C.
Protein change: p.Ile551Thr; replaces isoleucine 551 with threonine.
Molecular consequence: missense variant.
Genome position (GRCh38, 1-based): chr11:77,162,950, T>C. VCF-style: chr11-77162950-T-C. GRCh37 (hg19) VCF-style: chr11-76873996-T-C.
Other names: c.1652T>C, p.Ile551Thr (NM_001127180.2); c.1619T>C, p.Ile540Thr (NM_001369365.1); short protein forms I551T, I540T.
Identifiers: ClinVar variation 430214 (VCV000430214.2), dbSNP rs1131691833, ClinGen allele CA381936277.
Genomic context (GRCh38, chr11:77,162,950, plus strand): 5'-AGCACAAGCTCAACGCCAACTACATCCCCCCCAAGAACAACCATGAGACCCAGTTTGGCA[T>C]CAACCATTTTGCAGGCATCGTCTACTATGAGACCCAAGGTACAGAGGGCTGCCGGCTGTC-3'
Protein context (NP_000251.3, residues 541-561): PKNNHETQFG[Ile551Thr]NHFAGIVYYE

ClinVar aggregate classification (germline): Likely pathogenic (1 of 4 stars; one submission).

Submission:

GeneDx
Classification: Likely pathogenic. Last evaluated: 2015-11-23. Review status: criteria provided, single submitter. Criteria: GeneDx Variant Classification (06012015). Collection method: clinical testing. Allele origin: germline. Affected: yes.
Comment: The I551T variant in the MYO7A gene has not been reported previously as a pathogenic variant, nor as a benign variant, to our knowledge. The I551T variant was not observed in approximately 6300 individuals of European and African American ancestry in the NHLBI Exome Sequencing Project, indicating it is not a common benign variant in these populations. The I551T variant is a non-conservative amino acid substitution, which is likely to impact secondary protein structure as these residues differ in polarity, charge, size and/or other properties. This substitution occurs at a position that is conserved across species. In silico analysis predicts this variant is probably damaging to the protein structure/function. The I551T variant is a strong candidate for a pathogenic variant, however the possibility it may be a rare benign variant cannot be excluded.